The following is an entry in ClinVar:

NM_014874.4(MFN2):c.176-207G>A

Gene: MFN2 (mitofusin 2; plus strand). Cytogenetic location: 1p36.22.
Variant type: single nucleotide variant.
Coding change: c.176-207G>A on transcript NM_014874.4 (MANE Select); 207 bases into the intron before coding-DNA position 176, G replaced by A.
Molecular consequence: intron variant.
Genome position (GRCh38, 1-based): chr1:11,992,348, G>A. VCF-style: chr1-11992348-G-A. GRCh37 (hg19) VCF-style: chr1-12052405-G-A.
Other names: c.176-207G>A (NM_001127660.2).
Identifiers: ClinVar variation 683180 (VCV000683180.2), dbSNP rs6675934, ClinGen allele CA10831857.

ClinVar aggregate classification (germline): Benign. Review status: criteria provided, multiple submitters, no conflicts (2 of 4 stars). 2 submissions from 2 submitters: Benign (2). Last evaluated 2018-06-14.

Allele frequency attached by ClinVar (database versions not stated): gnomAD exomes 0.86669; gnomAD 0.88297 and 0.88709; TOPMed 0.88594; 1000 Genomes Project 30x 0.94269; 1000 Genomes Project 0.94529.
gnomAD v4.1: 551,363 of 633,070 alleles (87%); highest among the groups gnomAD compares: East Asian, 100%; 241,583 homozygotes.

Submissions (2):

GeneDx
Classification: Benign. Last evaluated: 2018-06-14. Review status: criteria provided, single submitter. Criteria: GeneDx Variant Classification (06012015). Collection method: clinical testing. Allele origin: germline. Affected: yes.
Comment: This variant is considered likely benign or benign based on one or more of the following criteria: it is a conservative change, it occurs at a poorly conserved position in the protein, it is predicted to be benign by multiple in silico algorithms, and/or has population frequency not consistent with disease.

Breakthrough Genomics
Classification: Benign. Review status: criteria provided, single submitter. Criteria: ACMG Guidelines, 2015. Collection method: not provided. Allele origin: germline. Inheritance: Autosomal recessive inheritance. Affected: yes.